The following is an entry in ClinVar:

NM_000059.4(BRCA2):c.717T>C (p.Ser239=)

Gene: BRCA2 (BRCA2 DNA repair associated; plus strand). Cytogenetic location: 13q13.1.
Variant type: single nucleotide variant.
Coding change: c.717T>C on transcript NM_000059.4 (MANE Select); coding-DNA position 717, T replaced by C.
Protein change: p.Ser239=; no amino-acid change (serine 239 retained).
Molecular consequence: synonymous variant.
Genome position (GRCh38, 1-based): chr13:32,330,954, T>C. VCF-style: chr13-32330954-T-C. GRCh37 (hg19) VCF-style: chr13-32905091-T-C.
Identifiers: ClinVar variation 1155493 (VCV001155493.15), dbSNP rs2137461423, ClinGen allele CA483274416.
Genomic context (GRCh38, chr13:32,330,954, plus strand): 5'-TGATTTTAAACTATAATTTTTGCAGAATGTGAAAAGCTATTTTTCCAATCATGATGAAAG[T>C]CTGAAGAAAAATGATAGATTTATCGCTTCTGTGACAGACAGTGAAAACACAAATCAAAGA-3'
Protein context (NP_000050.3, residues 229-249): VKSYFSNHDE[Ser239=]LKKNDRFIAS

ClinVar aggregate classification (germline): Conflicting classifications of pathogenicity. Review status: criteria provided, conflicting classifications (1 of 4 stars). 5 submissions from 5 submitters: Uncertain significance (1); Likely benign (4). Last evaluated 2024-09-29.

Conditions:
Hereditary breast ovarian cancer syndrome. Also called: Hereditary breast and ovarian cancer syndrome; Breast and ovarian cancer; BRCA1- and BRCA2-Associated Hereditary Breast and Ovarian Cancer; Hereditary breast and/or ovarian cancer syndrome; Hereditary breast and ovarian cancer syndrome (HBOC); Hereditary breast and ovarian cancer. Identifiers: Orphanet 145, MedGen C0677776, MeSH D061325, MONDO:0003582. Disease mechanism: loss of function.
Hereditary cancer-predisposing syndrome. Also called: Hereditary neoplastic syndrome; Hereditary Cancer Syndrome; Tumor predisposition; Neoplastic Syndromes, Hereditary. Identifiers: Orphanet 140162, MedGen C0027672, MeSH D009386, MONDO:0015356.

Submissions (5):

Women's Health and Genetics/Laboratory Corporation of America, LabCorp
Classification: Likely benign. Last evaluated: 2024-09-29. Review status: criteria provided, single submitter. Criteria: LabCorp Variant Classification Summary - May 2015. Collection method: clinical testing. Allele origin: germline.

GeneDx
Classification: Uncertain significance. Last evaluated: 2024-05-22. Review status: criteria provided, single submitter. Criteria: GeneDx Variant Classification Process June 2021. Collection method: clinical testing. Allele origin: germline. Affected: yes.
Comment: Not observed at significant frequency in large population cohorts (gnomAD); In silico analysis indicates that this variant does not alter splicing; Has not been previously published as pathogenic or benign to our knowledge; Also known as 945T>C

Labcorp Genetics (formerly Invitae), Labcorp
Classification: Likely benign for Hereditary breast ovarian cancer syndrome. Last evaluated: 2024-04-13. Review status: criteria provided, single submitter. Criteria: Invitae Variant Classification Sherloc (09022015). Collection method: clinical testing. Allele origin: germline.

Ambry Genetics
Classification: Likely benign for Hereditary cancer-predisposing syndrome. Last evaluated: 2022-04-09. Review status: criteria provided, single submitter. Criteria: Ambry Variant Classification Scheme 2023. Collection method: clinical testing. Allele origin: germline.

Color Diagnostics, LLC DBA Color Health
Classification: Likely benign for Hereditary cancer-predisposing syndrome. Last evaluated: 2021-12-20. Review status: criteria provided, single submitter. Criteria: ACMG Guidelines, 2015. Collection method: clinical testing. Allele origin: germline.